The following is an entry in ClinVar:

NM_000038.6(APC):c.5708A>G (p.Asn1903Ser)

Gene: APC (APC regulator of Wnt signaling pathway; plus strand). Cytogenetic location: 5q22.2.
Variant type: single nucleotide variant.
Coding change: c.5708A>G on transcript NM_000038.6 (MANE Select); coding-DNA position 5708, A replaced by G.
Protein change: p.Asn1903Ser; replaces asparagine 1903 with serine.
Molecular consequence: missense variant.
Genome position (GRCh38, 1-based): chr5:112,841,302, A>G. VCF-style: chr5-112841302-A-G. GRCh37 (hg19) VCF-style: chr5-112176999-A-G.
Other names: c.5708A>G, p.Asn1903Ser (NM_001127510.3, NM_001354895.2); c.5654A>G, p.Asn1885Ser (NM_001127511.3); c.5762A>G, p.Asn1921Ser (NM_001354896.2); c.5738A>G, p.Asn1913Ser (NM_001354897.2); c.5633A>G, p.Asn1878Ser (NM_001354898.2); c.5624A>G, p.Asn1875Ser (NM_001354899.2); c.5585A>G, p.Asn1862Ser (NM_001354900.2); c.5531A>G, p.Asn1844Ser (NM_001354901.2); and 5 more; short protein forms N1885S, N1903S, N1620S, N1743S, N1812S, N1844S, N1862S, N1878S.
Identifiers: ClinVar variation 236622 (VCV000236622.26), dbSNP rs750404000, ClinGen allele CA042707.

ClinVar aggregate classification (germline): Conflicting classifications of pathogenicity. Review status: criteria provided, conflicting classifications (1 of 4 stars). 8 submissions from 8 submitters: Uncertain significance (4); Likely benign (3). 1 of the submissions does not count toward it. Last evaluated 2026-01-13.

Conditions:
Classic or attenuated familial adenomatous polyposis. Identifiers: MedGen CN372698, MONDO:0021057.
Hereditary cancer-predisposing syndrome. Also called: Hereditary neoplastic syndrome; Hereditary Cancer Syndrome; Neoplastic Syndromes, Hereditary; Tumor predisposition. Identifiers: Orphanet 140162, MedGen C0027672, MeSH D009386, MONDO:0015356.
Familial adenomatous polyposis 1 (FAP1). Also called: FAMILIAL ADENOMATOUS POLYPOSIS 1, ATTENUATED; POLYPOSIS, ADENOMATOUS INTESTINAL. Identifiers: MedGen C2713442, MONDO:0021056, OMIM 175100. Disease mechanism: loss of function.

Allele frequency attached by ClinVar (database versions not stated): gnomAD exomes 0.00001 and 0.00002; ExAC 0.00003.
gnomAD v4.1: 12 of 1,614,044 alleles (0.00074%); highest among the groups gnomAD compares: East Asian, 0.011%; no homozygotes.

Submissions (8):

Labcorp Genetics (formerly Invitae), Labcorp
Classification: Uncertain significance for Familial adenomatous polyposis 1. Last evaluated: 2026-01-13. Review status: criteria provided, single submitter. Criteria: Invitae Variant Classification Sherloc (09022015). Collection method: clinical testing. Allele origin: germline.
Comment: This sequence change replaces asparagine, which is neutral and polar, with serine, which is neutral and polar, at codon 1903 of the APC protein (p.Asn1903Ser). This variant is present in population databases (rs750404000, gnomAD 0.02%). This variant has not been reported in the literature in individuals affected with APC-related conditions. ClinVar contains an entry for this variant (Variation ID: 236622). Invitae Evidence Modeling of protein sequence and biophysical properties (such as structural, functional, and spatial information, amino acid conservation, physicochemical variation, residue mobility, and thermodynamic stability) indicates that this missense variant is not expected to disrupt APC protein function with a negative predictive value of 95%. In summary, the available evidence is currently insufficient to determine the role of this variant in disease. Therefore, it has been classified as a Variant of Uncertain Significance.

Color Diagnostics, LLC DBA Color Health
Classification: Likely benign for Hereditary cancer-predisposing syndrome. Last evaluated: 2024-09-24. Review status: criteria provided, single submitter. Criteria: ACMG Guidelines, 2015. Collection method: clinical testing. Allele origin: germline.

All of Us Research Program, National Institutes of Health
Classification: Likely benign for Classic or attenuated familial adenomatous polyposis. Last evaluated: 2023-03-17. Review status: criteria provided, single submitter. Criteria: ACMG Guidelines, 2015. Collection method: clinical testing. Allele origin: germline. Inheritance: Autosomal dominant inheritance. Observed: 1 variant allele, 1 heterozygote.
Comment: This study involves interpretation of variants in research participants for the purpose of population health screening. Participant phenotype was not available at the time of variant classification. Additional details can be found in publication PMID: 35346344, PMCID: PMC8962531

Myriad Genetics, Inc.
Classification: Uncertain significance for Familial adenomatous polyposis 1. Last evaluated: 2023-02-15. Review status: criteria provided, single submitter. Criteria: Myriad Autosomal Dominant, Autosomal Recessive and X-Linked Classification Criteria (2023). Collection method: clinical testing. Allele origin: unknown.
Comment: This variant is classified as a variant of uncertain significance as there is insufficient evidence to determine its impact on protein function and/or cancer risk.

GeneDx
Classification: Uncertain significance. Last evaluated: 2022-10-27. Review status: criteria provided, single submitter. Criteria: GeneDx Variant Classification Process June 2021. Collection method: clinical testing. Allele origin: germline. Affected: yes.
Comment: Not observed at significant frequency in large population cohorts (gnomAD); In silico analysis supports that this missense variant does not alter protein structure/function; Has not been previously published as pathogenic or benign to our knowledge; This variant is associated with the following publications: (PMID: 18199528, 28157215)

Quest Diagnostics Nichols Institute San Juan Capistrano
Classification: Uncertain significance. Last evaluated: 2021-05-20. Review status: criteria provided, single submitter. Criteria: Quest Diagnostics criteria. Collection method: clinical testing. Allele origin: unknown.

Ambry Genetics
Classification: Likely benign for Hereditary cancer-predisposing syndrome. Last evaluated: 2020-11-20. Review status: criteria provided, single submitter. Criteria: Ambry Variant Classification Scheme 2023. Collection method: clinical testing. Allele origin: germline.

Counsyl
Classification: Uncertain significance for Familial adenomatous polyposis 1. Last evaluated: 2016-08-12. Review status: no assertion criteria provided. Collection method: clinical testing. Allele origin: unknown. Not counted in ClinVar's aggregate classification.

Literature cited by the submitters: PubMed 28157215 (cited by Quest Diagnostics Nichols Institute San Juan Capistrano).